The following is an entry in ClinVar:

NM_001242896.3(DEPDC5):c.1273C>G (p.Leu425Val)

Gene: DEPDC5 (DEP domain containing 5, GATOR1 subcomplex subunit; plus strand). Cytogenetic location: 22q12.3.
Variant type: single nucleotide variant.
Coding change: c.1273C>G on transcript NM_001242896.3 (MANE Select); coding-DNA position 1273, C replaced by G.
Protein change: p.Leu425Val; replaces leucine 425 with valine.
Molecular consequence: missense variant. On other transcripts: non-coding transcript variant (5).
Genome position (GRCh38, 1-based): chr22:31,806,177, C>G. VCF-style: chr22-31806177-C-G. GRCh37 (hg19) VCF-style: chr22-32202163-C-G.
Other names: c.1273C>G, p.Leu425Val (NM_001007188.4, NM_001136029.4, NM_001242897.2 and 7 more transcripts); c.1189C>G, p.Leu397Val (NM_001369901.1, NM_001369902.1); short protein forms L397V, L425V.
Identifiers: ClinVar variation 1307270 (VCV001307270.7), dbSNP rs2087513191, ClinGen allele CA411276436.

ClinVar aggregate classification (germline): Uncertain significance. Review status: criteria provided, multiple submitters, no conflicts (2 of 4 stars). 3 submissions from 3 submitters: Uncertain significance (3). Last evaluated 2025-10-23.

Conditions:
Inborn genetic diseases. Identifiers: MedGen C0950123, MeSH D030342.
Familial focal epilepsy with variable foci (FPEVF). Identifiers: Orphanet 98820, MedGen C1858477, MONDO:0020310.

Allele frequency attached by ClinVar (database versions not stated): gnomAD exomes below 0.00001; TOPMed below 0.00001; gnomAD 0.00001.
gnomAD v4.1: 2 of 1,613,810 alleles (0.00012%); highest among the groups gnomAD compares: Admixed American, 0.0017%; no homozygotes.

Submissions (3):

Labcorp Genetics (formerly Invitae), Labcorp
Classification: Uncertain significance for Familial focal epilepsy with variable foci. Last evaluated: 2025-10-23. Review status: criteria provided, single submitter. Criteria: Invitae Variant Classification Sherloc (09022015). Collection method: clinical testing. Allele origin: germline.
Comment: This sequence change replaces leucine, which is neutral and non-polar, with valine, which is neutral and non-polar, at codon 425 of the DEPDC5 protein (p.Leu425Val). This variant is not present in population databases (gnomAD no frequency). This variant has not been reported in the literature in individuals affected with DEPDC5-related conditions. ClinVar contains an entry for this variant (Variation ID: 1307270). Experimental studies and prediction algorithms are not available or were not evaluated, and the functional significance of this variant is currently unknown. In summary, the available evidence is currently insufficient to determine the role of this variant in disease. Therefore, it has been classified as a Variant of Uncertain Significance.

Ambry Genetics
Classification: Uncertain significance for Inborn genetic diseases. Last evaluated: 2022-09-26. Review status: criteria provided, single submitter. Criteria: Ambry Variant Classification Scheme 2023. Collection method: clinical testing. Allele origin: germline.

GeneDx
Classification: Uncertain significance. Last evaluated: 2019-07-24. Review status: criteria provided, single submitter. Criteria: GeneDx Variant Classification Process June 2021. Collection method: clinical testing. Allele origin: germline. Affected: yes.
Comment: Not observed in large population cohorts (Lek et al., 2016); In silico analysis, which includes protein predictors and evolutionary conservation, supports that this variant does not alter protein structure/function; Has not been previously published as pathogenic or benign to our knowledge